The following is an entry in ClinVar:

NM_001854.4(COL11A1):c.3895C>A (p.Pro1299Thr)

Gene: COL11A1 (collagen type XI alpha 1 chain; minus strand). Cytogenetic location: 1p21.1.
Variant type: single nucleotide variant.
Coding change: c.3895C>A on transcript NM_001854.4 (MANE Select); coding-DNA position 3895, C replaced by A.
Protein change: p.Pro1299Thr; replaces proline 1299 with threonine.
Molecular consequence: missense variant. On other transcripts: non-coding transcript variant (1).
Genome position (GRCh38, 1-based): chr1:102,914,733, G>T on the plus strand (C>A on the coding strand, the complement: COL11A1 is on the minus strand). VCF-style: chr1-102914733-G-T. GRCh37 (hg19) VCF-style: chr1-103380289-G-T.
Other names: c.3778C>A, p.Pro1260Thr (NM_001190709.2); c.3931C>A, p.Pro1311Thr (NM_080629.3); c.3547C>A, p.Pro1183Thr (NM_080630.4); short protein forms P1260T, P1299T, P1311T, P1183T.
Identifiers: ClinVar variation 1350972 (VCV001350972.8), dbSNP rs200465040, ClinGen allele CA341161306.
Genomic context (GRCh38, chr1:102,914,733, plus strand): 5'-TGCCACATTAGAGGGGACCAAACTCACTTACCGGGTTACCCTTAGGGCCATCATCACCTG[G>T]TGGCCCCTTGGCACCTGGAGGTCCAGCAGCTCCAGGTGGACCAGCTTCCCCTTTCTCTCC-3'
Protein context (NP_001845.3, residues 1289-1309): AAGPPGAKGP[Pro1299Thr]GDDGPKGNPG

ClinVar aggregate classification (germline): Uncertain significance (1 of 4 stars; one submission).

Allele frequency attached by ClinVar (database versions not stated): TOPMed 0.00001.

Submission:

Labcorp Genetics (formerly Invitae), Labcorp
Classification: Uncertain significance. Last evaluated: 2024-10-09. Review status: criteria provided, single submitter. Criteria: Invitae Variant Classification Sherloc (09022015). Collection method: clinical testing. Allele origin: germline.
Comment: This sequence change replaces proline, which is neutral and non-polar, with threonine, which is neutral and polar, at codon 1299 of the COL11A1 protein (p.Pro1299Thr). This variant is not present in population databases (gnomAD no frequency). This variant has not been reported in the literature in individuals affected with COL11A1-related conditions. ClinVar contains an entry for this variant (Variation ID: 1350972). Invitae Evidence Modeling of protein sequence and biophysical properties (such as structural, functional, and spatial information, amino acid conservation, physicochemical variation, residue mobility, and thermodynamic stability) indicates that this missense variant is not expected to disrupt COL11A1 protein function with a negative predictive value of 80%. In summary, the available evidence is currently insufficient to determine the role of this variant in disease. Therefore, it has been classified as a Variant of Uncertain Significance.